The following is an entry in ClinVar:

ClinVar aggregate classification (germline): Uncertain significance (1 of 4 stars; one submission).

Conditions:
GRN-related frontotemporal lobar degeneration with Tdp43 inclusions (FTD2). Also called: GRN Frontotemporal Dementia; FRONTOTEMPORAL DEMENTIA WITH TDP43 INCLUSIONS, GRN-RELATED; DEMENTIA, HEREDITARY DYSPHASIC DISINHIBITION; FRONTOTEMPORAL LOBAR DEGENERATION WITH UBIQUITIN-POSITIVE INCLUSIONS; FTLD-TDP, GRN-RELATED. Identifiers: Orphanet 100070, Orphanet 282, MedGen C1843792, MONDO:0011842, OMIM 607485. Disease mechanism: loss of function.
Neuronal ceroid lipofuscinosis 11. Also called: GRN-Related Neuronal Ceroid-Lipofuscinosis. Identifiers: Orphanet 314629, Orphanet 79262, MedGen C3539123, MONDO:0013866, OMIM 614706.

Allele frequency attached by ClinVar (database versions not stated): gnomAD exomes below 0.00001.

Submission:

Labcorp Genetics (formerly Invitae), Labcorp
Classification: Uncertain significance for Neuronal ceroid lipofuscinosis 11; GRN-related frontotemporal lobar degeneration with Tdp43 inclusions. Last evaluated: 2023-11-25. Review status: criteria provided, single submitter. Criteria: Invitae Variant Classification Sherloc (09022015). Collection method: clinical testing. Allele origin: germline.
Comment: This sequence change replaces alanine, which is neutral and non-polar, with valine, which is neutral and non-polar, at codon 266 of the GRN protein (p.Ala266Val). This variant is not present in population databases (gnomAD no frequency). This variant has not been reported in the literature in individuals affected with GRN-related conditions. Advanced modeling of protein sequence and biophysical properties (such as structural, functional, and spatial information, amino acid conservation, physicochemical variation, residue mobility, and thermodynamic stability) performed at Invitae indicates that this missense variant is not expected to disrupt GRN protein function with a negative predictive value of 80%. In summary, the available evidence is currently insufficient to determine the role of this variant in disease. Therefore, it has been classified as a Variant of Uncertain Significance.

NM_002087.4(GRN):c.797C>T (p.Ala266Val)

Gene: GRN (granulin precursor; plus strand). Cytogenetic location: 17q21.31.
Variant type: single nucleotide variant.
Coding change: c.797C>T on transcript NM_002087.4 (MANE Select); coding-DNA position 797, C replaced by T.
Protein change: p.Ala266Val; replaces alanine 266 with valine.
Molecular consequence: missense variant.
Genome position (GRCh38, 1-based): chr17:44,351,125, C>T. VCF-style: chr17-44351125-C-T. GRCh37 (hg19) VCF-style: chr17-42428493-C-T.
Other names: short protein forms A266V.
Identifiers: ClinVar variation 2954230 (VCV002954230.3), dbSNP rs2510056470, ClinGen allele CA399764722.